The following is an entry in ClinVar:

NM_000553.6(WRN):c.3820-9T>G

Gene: WRN (WRN RecQ like helicase; plus strand). Cytogenetic location: 8p12.
Variant type: single nucleotide variant.
Coding change: c.3820-9T>G on transcript NM_000553.6 (MANE Select); 9 bases into the intron before coding-DNA position 3820, T replaced by G.
Molecular consequence: intron variant.
Genome position (GRCh38, 1-based): chr8:31,157,359, T>G. VCF-style: chr8-31157359-T-G. GRCh37 (hg19) VCF-style: chr8-31014875-T-G.
Identifiers: ClinVar variation 2010764 (VCV002010764.4), dbSNP rs2130479995, ClinGen allele CA2580078129.

ClinVar aggregate classification (germline): Uncertain significance (1 of 4 stars; one submission).

Conditions:
Werner syndrome (WRN). Identifiers: Orphanet 902, MedGen C0043119, MONDO:0010196, OMIM 277700.

Submission:

Labcorp Genetics (formerly Invitae), Labcorp
Classification: Uncertain significance for Werner syndrome. Last evaluated: 2022-06-27. Review status: criteria provided, single submitter. Criteria: Invitae Variant Classification Sherloc (09022015). Collection method: clinical testing. Allele origin: germline.
Comment: In summary, the available evidence is currently insufficient to determine the role of this variant in disease. Therefore, it has been classified as a Variant of Uncertain Significance. Algorithms developed to predict the effect of sequence changes on RNA splicing suggest that this variant may disrupt the consensus splice site. This variant has not been reported in the literature in individuals affected with WRN-related conditions. This variant is not present in population databases (gnomAD no frequency). This sequence change falls in intron 32 of the WRN gene. It does not directly change the encoded amino acid sequence of the WRN protein.